The following is an entry in ClinVar:

NM_004859.4(CLTC):c.4642_4643delinsTT (p.Glu1548Leu)

Gene: CLTC (clathrin heavy chain; plus strand). Cytogenetic location: 17q23.1.
Variant type: Indel.
Coding change: c.4642_4643delinsTT on transcript NM_004859.4 (MANE Select); coding-DNA positions 4642 to 4643, GA replaced by TT.
Protein change: p.Glu1548Leu; replaces glutamic acid 1548 with leucine.
Molecular consequence: missense variant.
Genome position (GRCh38, 1-based): chr17:59,685,623-59,685,624, GA replaced by TT. VCF-style: chr17-59685623-GA-TT. GRCh37 (hg19) VCF-style: chr17-57762984-GA-TT.
Other names: c.4654_4655delinsTT, p.Glu1552Leu (NM_001288653.2); short protein forms E1548L, E1552L.
Identifiers: ClinVar variation 1917780 (VCV001917780.5), dbSNP rs2509158594, ClinGen allele CA2580094391.

ClinVar aggregate classification (germline): Uncertain significance (1 of 4 stars; one submission).

Submission:

Labcorp Genetics (formerly Invitae), Labcorp
Classification: Uncertain significance. Last evaluated: 2025-07-08. Review status: criteria provided, single submitter. Criteria: Invitae Variant Classification Sherloc (09022015). Collection method: clinical testing. Allele origin: germline.
Comment: This sequence change replaces glutamic acid, which is acidic and polar, with leucine, which is neutral and non-polar, at codon 1552 of the CLTC protein (p.Glu1552Leu). Information on the frequency of this variant in the gnomAD database is not available, as this variant may be reported differently in the database. This variant has not been reported in the literature in individuals affected with CLTC-related conditions. ClinVar contains an entry for this variant (Variation ID: 1917780). Experimental studies and prediction algorithms are not available or were not evaluated, and the functional significance of this variant is currently unknown. In summary, the available evidence is currently insufficient to determine the role of this variant in disease. Therefore, it has been classified as a Variant of Uncertain Significance.